The following is an entry in ClinVar:

ClinVar aggregate classification (germline): Uncertain significance. Review status: criteria provided, multiple submitters, no conflicts (2 of 4 stars). 2 submissions from 2 submitters: Uncertain significance (2). Last evaluated 2025-12-09.

Conditions:
Hyperekplexia 3 (HKPX3). Also called: HYPEREKPLEXIA 3, AUTOSOMAL RECESSIVE; HYPEREKPLEXIA 3, AUTOSOMAL DOMINANT. Identifiers: Orphanet 3197, MedGen C3553288, MONDO:0013827, OMIM 614618.
Inborn genetic diseases. Identifiers: MedGen C0950123, MeSH D030342.

Allele frequency attached by ClinVar (database versions not stated): TOPMed below 0.00001.
gnomAD v4.1: 7 of 1,613,784 alleles (0.00043%); highest among the groups gnomAD compares: East Asian, 0.0067%; no homozygotes.

Submissions (2):

Ambry Genetics
Classification: Uncertain significance for Inborn genetic diseases. Last evaluated: 2025-12-09. Review status: criteria provided, single submitter. Criteria: Ambry Variant Classification Scheme 2023. Collection method: clinical testing. Allele origin: germline.

Labcorp Genetics (formerly Invitae), Labcorp
Classification: Uncertain significance for Hyperekplexia 3. Last evaluated: 2022-08-16. Review status: criteria provided, single submitter. Criteria: Invitae Variant Classification Sherloc (09022015). Collection method: clinical testing. Allele origin: germline.
Comment: This sequence change replaces isoleucine, which is neutral and non-polar, with threonine, which is neutral and polar, at codon 669 of the SLC6A5 protein (p.Ile669Thr). This variant is not present in population databases (gnomAD no frequency). This variant has not been reported in the literature in individuals affected with SLC6A5-related conditions. ClinVar contains an entry for this variant (Variation ID: 1406522). Advanced modeling of protein sequence and biophysical properties (such as structural, functional, and spatial information, amino acid conservation, physicochemical variation, residue mobility, and thermodynamic stability) performed at Invitae indicates that this missense variant is not expected to disrupt SLC6A5 protein function. In summary, the available evidence is currently insufficient to determine the role of this variant in disease. Therefore, it has been classified as a Variant of Uncertain Significance.

NM_004211.5(SLC6A5):c.2006T>C (p.Ile669Thr)

Gene: SLC6A5 (solute carrier family 6 member 5; plus strand). Cytogenetic location: 11p15.1.
Variant type: single nucleotide variant.
Coding change: c.2006T>C on transcript NM_004211.5 (MANE Select); coding-DNA position 2006, T replaced by C.
Protein change: p.Ile669Thr; replaces isoleucine 669 with threonine.
Molecular consequence: missense variant.
Genome position (GRCh38, 1-based): chr11:20,646,870, T>C. VCF-style: chr11-20646870-T-C. GRCh37 (hg19) VCF-style: chr11-20668416-T-C.
Other names: c.1304T>C, p.Ile435Thr (NM_001318369.2); c.2006T>C (NM_004211.3); short protein forms I435T, I669T.
Identifiers: ClinVar variation 1406522 (VCV001406522.4), dbSNP rs1233863393, ClinGen allele CA379919437.